The following is an entry in ClinVar:

ClinVar aggregate classification (germline): Conflicting classifications of pathogenicity. Review status: criteria provided, conflicting classifications (1 of 4 stars). 2 submissions from 2 submitters: Uncertain significance (1); Likely benign (1). Last evaluated 2025-03-08.

Conditions:
Inborn genetic diseases. Identifiers: MedGen C0950123, MeSH D030342.

Allele frequency attached by ClinVar (database versions not stated): gnomAD 0.00007; ESP Exome Variant Server 0.00008.
gnomAD v4.1: 16 of 1,601,498 alleles (0.001%); highest among the groups gnomAD compares: African/African-American, 0.015%; no homozygotes.

Submissions (2):

Ambry Genetics
Classification: Likely benign for Inborn genetic diseases. Last evaluated: 2025-03-08. Review status: criteria provided, single submitter. Criteria: Ambry Variant Classification Scheme 2023. Collection method: clinical testing. Allele origin: germline.

Labcorp Genetics (formerly Invitae), Labcorp
Classification: Uncertain significance. Last evaluated: 2021-08-23. Review status: criteria provided, single submitter. Criteria: Invitae Variant Classification Sherloc (09022015). Collection method: clinical testing. Allele origin: germline.
Comment: This sequence change replaces phenylalanine with leucine at codon 284 of the PLOD2 protein (p.Phe284Leu). The phenylalanine residue is weakly conserved and there is a small physicochemical difference between phenylalanine and leucine. This variant is present in population databases (rs145189838, ExAC 0.01%). This variant has not been reported in the literature in individuals affected with PLOD2-related conditions. Algorithms developed to predict the effect of missense changes on protein structure and function output the following: SIFT: "Tolerated"; PolyPhen-2: "Benign"; Align-GVGD: "Class C0". The leucine amino acid residue is found in multiple mammalian species, which suggests that this missense change does not adversely affect protein function. In summary, the available evidence is currently insufficient to determine the role of this variant in disease. Therefore, it has been classified as a Variant of Uncertain Significance.

NM_182943.3(PLOD2):c.852C>G (p.Phe284Leu)

Gene: PLOD2 (procollagen-lysine,2-oxoglutarate 5-dioxygenase 2; minus strand). Cytogenetic location: 3q24.
Variant type: single nucleotide variant.
Coding change: c.852C>G on transcript NM_182943.3 (MANE Select); coding-DNA position 852, C replaced by G.
Protein change: p.Phe284Leu; replaces phenylalanine 284 with leucine.
Molecular consequence: missense variant.
Genome position (GRCh38, 1-based): chr3:146,091,827, G>C on the plus strand (C>G on the coding strand, the complement: PLOD2 is on the minus strand). VCF-style: chr3-146091827-G-C. GRCh37 (hg19) VCF-style: chr3-145809614-G-C.
Other names: c.852C>G, p.Phe284Leu (NM_000935.3); c.852C>G (NM_000935.2); short protein forms F284L.
Identifiers: ClinVar variation 1441118 (VCV001441118.4), dbSNP rs145189838, ClinGen allele CA2655109.